The following is an entry in ClinVar:

NM_198578.4(LRRK2):c.265A>G (p.Ile89Val)

Gene: LRRK2 (leucine rich repeat kinase 2; plus strand). Cytogenetic location: 12q12.
Variant type: single nucleotide variant.
Coding change: c.265A>G on transcript NM_198578.4 (MANE Select); coding-DNA position 265, A replaced by G.
Protein change: p.Ile89Val; replaces isoleucine 89 with valine.
Molecular consequence: missense variant.
Genome position (GRCh38, 1-based): chr12:40,232,301, A>G. VCF-style: chr12-40232301-A-G. GRCh37 (hg19) VCF-style: chr12-40626103-A-G.
Other names: short protein forms I89V.
Identifiers: ClinVar variation 1794423 (VCV001794423.2), dbSNP rs1296071003, ClinGen allele CA384401376.

ClinVar aggregate classification (germline): Uncertain significance (1 of 4 stars; one submission).

Conditions:
Inborn genetic diseases. Identifiers: MedGen C0950123, MeSH D030342.

Allele frequency attached by ClinVar (database versions not stated): TOPMed below 0.00001.
gnomAD v4.1: 1 of 1,614,002 alleles (0.000062%); no homozygotes.

Submission:

Ambry Genetics
Classification: Uncertain significance for Inborn genetic diseases. Last evaluated: 2021-07-09. Review status: criteria provided, single submitter. Criteria: Ambry Variant Classification Scheme 2023. Collection method: clinical testing. Allele origin: germline.
Comment: The p.I89V variant (also known as c.265A>G), located in coding exon 3 of the LRRK2 gene, results from an A to G substitution at nucleotide position 265. The isoleucine at codon 89 is replaced by valine, an amino acid with highly similar properties. This amino acid position is conserved. In addition, this alteration is predicted to be tolerated by in silico analysis. Since supporting evidence is limited at this time, the clinical significance of this alteration remains unclear.